The following is an entry in ClinVar:

ClinVar aggregate classification (germline): Uncertain significance (1 of 4 stars; one submission).

Submission:

Greenwood Genetic Center Diagnostic Laboratories, Greenwood Genetic Center
Classification: Uncertain significance. Last evaluated: 2024-02-01. Review status: criteria provided, single submitter. Criteria: ACMG Guidelines, 2015. Collection method: clinical testing. Allele origin: germline. Affected: yes.
Comment: Gene of Uncertain Significance

NM_001684.5(ATP2B4):c.1030G>A (p.Val344Met)

Gene: ATP2B4 (ATPase plasma membrane Ca2+ transporting 4; plus strand). Cytogenetic location: 1q32.1.
Variant type: single nucleotide variant.
Coding change: c.1030G>A on transcript NM_001684.5 (MANE Select); coding-DNA position 1030, G replaced by A.
Protein change: p.Val344Met; replaces valine 344 with methionine.
Molecular consequence: missense variant.
Genome position (GRCh38, 1-based): chr1:203,703,744, G>A. VCF-style: chr1-203703744-G-A. GRCh37 (hg19) VCF-style: chr1-203672872-G-A.
Other names: c.1030G>A, p.Val344Met (NM_001001396.3, NM_001365783.2, NM_001365784.2); short protein forms V344M.
Identifiers: ClinVar variation 3235874 (VCV003235874.1), dbSNP rs2545379857, ClinGen allele CA344312383.